The following is an entry in ClinVar:

ClinVar aggregate classification (germline): Uncertain significance (1 of 4 stars; one submission).

Allele frequency attached by ClinVar (database versions not stated): ExAC 0.00001; gnomAD exomes 0.00002; TOPMed 0.00002; gnomAD 0.00003.
gnomAD v4.1: 32 of 1,613,628 alleles (0.002%); highest among the groups gnomAD compares: Admixed American, 0.0033%; no homozygotes.

Submission:

Labcorp Genetics (formerly Invitae), Labcorp
Classification: Uncertain significance. Last evaluated: 2022-08-07. Review status: criteria provided, single submitter. Criteria: Invitae Variant Classification Sherloc (09022015). Collection method: clinical testing. Allele origin: germline.
Comment: This sequence change replaces alanine, which is neutral and non-polar, with threonine, which is neutral and polar, at codon 233 of the SLC24A5 protein (p.Ala233Thr). This variant is present in population databases (rs774586843, gnomAD 0.003%). This variant has not been reported in the literature in individuals affected with SLC24A5-related conditions. Algorithms developed to predict the effect of missense changes on protein structure and function output the following: SIFT: "Tolerated"; PolyPhen-2: "Benign"; Align-GVGD: "Class C0". The threonine amino acid residue is found in multiple mammalian species, which suggests that this missense change does not adversely affect protein function. In summary, the available evidence is currently insufficient to determine the role of this variant in disease. Therefore, it has been classified as a Variant of Uncertain Significance.

NM_205850.3(SLC24A5):c.697G>A (p.Ala233Thr)

Genes: MYEF2 (myelin expression factor 2; minus strand), SLC24A5 (solute carrier family 24 member 5; plus strand). Cytogenetic location: 15q21.1.
Variant type: single nucleotide variant.
Coding change: c.697G>A on transcript NM_205850.3 (MANE Select); coding-DNA position 697, G replaced by A.
Protein change: p.Ala233Thr; replaces alanine 233 with threonine.
Molecular consequence: missense variant. On other transcripts: 3 prime UTR variant (2).
Genome position (GRCh38, 1-based): chr15:48,136,789, G>A. VCF-style: chr15-48136789-G-A. GRCh37 (hg19) VCF-style: chr15-48428986-G-A.
Other names: c.*6119C>T (NM_001301210.2, NM_016132.5); short protein forms A233T.
Identifiers: ClinVar variation 1906748 (VCV001906748.2), dbSNP rs774586843, ClinGen allele CA7545947.